The following is an entry in ClinVar:

NM_025179.4(PLXNA2):c.1298C>T (p.Thr433Ile)

Gene: PLXNA2 (plexin A2; minus strand). Cytogenetic location: 1q32.2.
Variant type: single nucleotide variant.
Coding change: c.1298C>T on transcript NM_025179.4 (MANE Select); coding-DNA position 1298, C replaced by T.
Protein change: p.Thr433Ile; replaces threonine 433 with isoleucine.
Molecular consequence: missense variant.
Genome position (GRCh38, 1-based): chr1:208,210,353, G>A on the plus strand (C>T on the coding strand, the complement: PLXNA2 is on the minus strand). VCF-style: chr1-208210353-G-A. GRCh37 (hg19) VCF-style: chr1-208383698-G-A.
Other names: short protein forms T433I.
Identifiers: ClinVar variation 3355699 (VCV003355699.1).

ClinVar aggregate classification (germline): Uncertain significance (0 of 4 stars; one submission).

Conditions:
PLXNA2-related disorder. Also called: PLXNA2-related condition.

gnomAD v4.1: 3 of 1,614,050 alleles (0.00019%); highest among the groups gnomAD compares: Admixed American, 0.0033%; no homozygotes.

Submission:

PreventionGenetics, part of Exact Sciences
Classification: Uncertain significance for PLXNA2-related condition. Last evaluated: 2024-05-28. Review status: no assertion criteria provided. Collection method: clinical testing. Allele origin: germline.
Comment: The PLXNA2 c.1298C>T variant is predicted to result in the amino acid substitution p.Thr433Ile. To our knowledge, this variant has not been reported in the literature. This variant is reported in 0.0029% of alleles in individuals of Latino descent in gnomAD. At this time, the clinical significance of this variant is uncertain due to the absence of conclusive functional and genetic evidence.